The following is an entry in ClinVar:

ClinVar aggregate classification (germline): Uncertain significance (1 of 4 stars; one submission).

gnomAD v4.1: 1 of 1,613,014 alleles (0.000062%); highest among the groups gnomAD compares: Non-Finnish European, 0.000085%; no homozygotes.

Submission:

Ambry Genetics
Classification: Uncertain significance. Last evaluated: 2026-06-24. Review status: criteria provided, single submitter. Criteria: Ambry Variant Classification Scheme 2023. Collection method: clinical testing. Allele origin: germline.
Comment: The p.I56F variant (also known as c.166A>T), located in coding exon 2 of the SRP72 gene, results from an A to T substitution at nucleotide position 166. The isoleucine at codon 56 is replaced by phenylalanine, an amino acid with highly similar properties. This amino acid position is conserved. In addition, this alteration is predicted to be tolerated by in silico analysis. Based on the available evidence, the clinical significance of this variant remains unclear.

NM_006947.4(SRP72):c.166A>T (p.Ile56Phe)

Gene: SRP72 (signal recognition particle 72; plus strand). Cytogenetic location: 4q12.
Variant type: single nucleotide variant.
Coding change: c.166A>T on transcript NM_006947.4 (MANE Select); coding-DNA position 166, A replaced by T.
Protein change: p.Ile56Phe; replaces isoleucine 56 with phenylalanine.
Molecular consequence: missense variant. On other transcripts: non-coding transcript variant (1).
Genome position (GRCh38, 1-based): chr4:56,469,709, A>T. VCF-style: chr4-56469709-A-T. GRCh37 (hg19) VCF-style: chr4-57335875-A-T.
Other names: c.166A>T, p.Ile56Phe (NM_001267722.2); short protein forms I56F.
Identifiers: ClinVar variation 5030216 (VCV005030216.1).